The following is an entry in ClinVar:

ClinVar aggregate classification (germline): Uncertain significance. Review status: criteria provided, multiple submitters, no conflicts (2 of 4 stars). 3 submissions from 3 submitters: Uncertain significance (3). Last evaluated 2024-12-24.

Conditions:
Inborn genetic diseases. Identifiers: MedGen C0950123, MeSH D030342.

Allele frequency attached by ClinVar (database versions not stated): gnomAD exomes 0.00001; gnomAD 0.00003 and 0.00004; TOPMed 0.00003; ESP Exome Variant Server 0.00008.

Submissions (3):

Ambry Genetics
Classification: Uncertain significance for Inborn genetic diseases. Last evaluated: 2024-12-24. Review status: criteria provided, single submitter. Criteria: Ambry Variant Classification Scheme 2023. Collection method: clinical testing. Allele origin: germline.

Labcorp Genetics (formerly Invitae), Labcorp
Classification: Uncertain significance. Last evaluated: 2024-10-23. Review status: criteria provided, single submitter. Criteria: Invitae Variant Classification Sherloc (09022015). Collection method: clinical testing. Allele origin: germline.
Comment: This sequence change replaces arginine, which is basic and polar, with tryptophan, which is neutral and slightly polar, at codon 885 of the AGBL5 protein (p.Arg885Trp). This variant is present in population databases (rs367669730, gnomAD 0.003%). This variant has not been reported in the literature in individuals affected with AGBL5-related conditions. ClinVar contains an entry for this variant (Variation ID: 943448). An algorithm developed to predict the effect of missense changes on protein structure and function (PolyPhen-2) suggests that this variant is likely to be disruptive. In summary, the available evidence is currently insufficient to determine the role of this variant in disease. Therefore, it has been classified as a Variant of Uncertain Significance.

Blueprint Genetics
Classification: Uncertain significance. Last evaluated: 2022-11-25. Review status: criteria provided, single submitter. Criteria: ACMG Guidelines, 2015. Collection method: clinical testing. Allele origin: germline.

NM_021831.6(AGBL5):c.2653C>T (p.Arg885Trp)

Gene: AGBL5 (AGBL carboxypeptidase 5; plus strand). Cytogenetic location: 2p23.3.
Variant type: single nucleotide variant.
Coding change: c.2653C>T on transcript NM_021831.6 (MANE Select); coding-DNA position 2653, C replaced by T.
Protein change: p.Arg885Trp; replaces arginine 885 with tryptophan.
Molecular consequence: missense variant. On other transcripts: non-coding transcript variant (2).
Genome position (GRCh38, 1-based): chr2:27,070,255, C>T. VCF-style: chr2-27070255-C-T. GRCh37 (hg19) VCF-style: chr2-27293123-C-T.
Other names: short protein forms R885W.
Identifiers: ClinVar variation 943448 (VCV000943448.11), dbSNP rs367669730, ClinGen allele CA44460789.